The following is an entry in ClinVar:

NM_000264.5(PTCH1):c.4087G>A (p.Gly1363Ser)

Gene: PTCH1 (patched 1; minus strand). Cytogenetic location: 9q22.32.
Variant type: single nucleotide variant.
Coding change: c.4087G>A on transcript NM_000264.5 (MANE Select); coding-DNA position 4087, G replaced by A.
Protein change: p.Gly1363Ser; replaces glycine 1363 with serine.
Molecular consequence: missense variant. On other transcripts: non-coding transcript variant (1).
Genome position (GRCh38, 1-based): chr9:95,447,169, C>T on the plus strand (G>A on the coding strand, the complement: PTCH1 is on the minus strand). VCF-style: chr9-95447169-C-T. GRCh37 (hg19) VCF-style: chr9-98209451-C-T.
Other names: c.3889G>A, p.Gly1297Ser (NM_001083602.3); c.4084G>A, p.Gly1362Ser (NM_001083603.3); c.3634G>A, p.Gly1212Ser (NM_001083604.3, NM_001083605.3, NM_001083606.3 and 1 more transcripts); c.3931G>A, p.Gly1311Ser (NM_001354918.2); short protein forms G1297S, G1363S, G1362S, G1212S, G1311S.
Identifiers: ClinVar variation 392004 (VCV000392004.15), dbSNP rs767625820, ClinGen allele CA5137955.
Genomic context (GRCh38, chr9:95,447,169, plus strand): 5'-GGTGCACGGCGACAGTCACGGAGGCAGAAGCCGTCACAGTGGTGATGGGCTGGCAGTAGC[C>T]GGGCACGGAGCTGCCCATGGCAGTGGACGCTGGGTTCCGAGGGTTGTGAGAACGGGCCCC-3'
Protein context (NP_000255.2, residues 1353-1373): ASTAMGSSVP[Gly1363Ser]YCQPITTVTA

ClinVar aggregate classification (germline): Likely benign. Review status: criteria provided, multiple submitters, no conflicts (2 of 4 stars). 4 submissions from 4 submitters: Likely benign (3). 1 of the submissions does not count toward it. Last evaluated 2025-11-12.

Conditions:
Hereditary cancer-predisposing syndrome. Also called: Neoplastic Syndromes, Hereditary; Hereditary neoplastic syndrome; Tumor predisposition; Hereditary Cancer Syndrome. Identifiers: Orphanet 140162, MedGen C0027672, MeSH D009386, MONDO:0015356.
Gorlin syndrome. Also called: Nevoid Basal Cell Carcinoma Syndrome; Basal cell nevus syndrome. Identifiers: Orphanet 377, MedGen C0004779, MONDO:0007187.
PTCH1-related disorder. Also called: PTCH1-related disorders; PTCH1-related condition.

Allele frequency attached by ClinVar (database versions not stated): gnomAD 0.00003; TOPMed 0.00003.
gnomAD v4.1: 17 of 1,612,956 alleles (0.0011%); highest among the groups gnomAD compares: African/African-American, 0.004%; no homozygotes.

Submissions (4):

Labcorp Genetics (formerly Invitae), Labcorp
Classification: Likely benign for Gorlin syndrome. Last evaluated: 2025-11-12. Review status: criteria provided, single submitter. Criteria: Invitae Variant Classification Sherloc (09022015). Collection method: clinical testing. Allele origin: germline.

Ambry Genetics
Classification: Likely benign for Hereditary cancer-predisposing syndrome. Last evaluated: 2020-09-22. Review status: criteria provided, single submitter. Criteria: Ambry Variant Classification Scheme 2023. Collection method: clinical testing. Allele origin: germline.

GeneDx
Classification: Likely benign. Last evaluated: 2016-12-20. Review status: criteria provided, single submitter. Criteria: GeneDx Variant Classification (06012015). Collection method: clinical testing. Allele origin: germline. Affected: yes.
Comment: This variant is considered likely benign or benign based on one or more of the following criteria: it is a conservative change, it occurs at a poorly conserved position in the protein, it is predicted to be benign by multiple in silico algorithms, and/or has population frequency not consistent with disease.

PreventionGenetics, part of Exact Sciences
Classification: Likely benign for PTCH1-related condition. Last evaluated: 2023-03-27. Review status: no assertion criteria provided. Collection method: clinical testing. Allele origin: germline. Not counted in ClinVar's aggregate classification.
Comment: This variant is classified as likely benign based on ACMG/AMP sequence variant interpretation guidelines (Richards et al. 2015 PMID: 25741868, with internal and published modifications).